The following is an entry in ClinVar:

ClinVar aggregate classification (germline): Uncertain significance. Review status: criteria provided, multiple submitters, no conflicts (2 of 4 stars). 2 submissions from 2 submitters: Uncertain significance (2). Last evaluated 2024-03-06.

Conditions:
Hereditary cancer-predisposing syndrome. Also called: Neoplastic Syndromes, Hereditary; Tumor predisposition; Hereditary Cancer Syndrome; Hereditary neoplastic syndrome. Identifiers: Orphanet 140162, MedGen C0027672, MeSH D009386, MONDO:0015356.

Submissions (2):

Color Diagnostics, LLC DBA Color Health
Classification: Uncertain significance for Hereditary cancer-predisposing syndrome. Last evaluated: 2024-03-06. Review status: criteria provided, single submitter. Criteria: ACMG Guidelines, 2015. Collection method: clinical testing. Allele origin: germline.
Comment: This missense variant replaces aspartic acid with glycine at codon 1141 of the BRIP1 protein. Computational prediction suggests that this variant may not impact protein structure and function (internally defined REVEL score threshold <= 0.5, PMID: 27666373). Splice site prediction tools suggest that this variant may create a splice donor site. However, this prediction has not been confirmed in published RNA studies. To our knowledge, functional studies have not been performed for this variant. This variant has not been reported in individuals affected with hereditary cancer in the literature. This variant has not been identified in the general population by the Genome Aggregation Database (gnomAD). The available evidence is insufficient to determine the role of this variant in disease conclusively. Therefore, this variant is classified as a Variant of Uncertain Significance.

Ambry Genetics
Classification: Uncertain significance for Hereditary cancer-predisposing syndrome. Last evaluated: 2022-01-01. Review status: criteria provided, single submitter. Criteria: Ambry Variant Classification Scheme 2023. Collection method: clinical testing. Allele origin: germline.
Comment: The p.D1141G variant (also known as c.3422A>G), located in coding exon 19 of the BRIP1 gene, results from an A to G substitution at nucleotide position 3422. The aspartic acid at codon 1141 is replaced by glycine, an amino acid with similar properties. This amino acid position is conserved. In addition, this alteration is predicted to be tolerated by in silico analysis. Since supporting evidence is limited at this time, the clinical significance of this alteration remains unclear.

NM_032043.3(BRIP1):c.3422A>G (p.Asp1141Gly)

Gene: BRIP1 (BRCA1 interacting DNA helicase 1; minus strand). Cytogenetic location: 17q23.2.
Variant type: single nucleotide variant.
Coding change: c.3422A>G on transcript NM_032043.3 (MANE Select); coding-DNA position 3422, A replaced by G.
Protein change: p.Asp1141Gly; replaces aspartic acid 1141 with glycine.
Molecular consequence: missense variant.
Genome position (GRCh38, 1-based): chr17:61,683,624, T>C on the plus strand (A>G on the coding strand, the complement: BRIP1 is on the minus strand). VCF-style: chr17-61683624-T-C. GRCh37 (hg19) VCF-style: chr17-59760985-T-C.
Other names: short protein forms D1141G.
Identifiers: ClinVar variation 922118 (VCV000922118.6), dbSNP rs1034551306, ClinGen allele CA400478763.